The following is an entry in ClinVar:

ClinVar aggregate classification (germline): Uncertain significance (1 of 4 stars; one submission).

Conditions:
Vici syndrome (VICIS). Identifiers: Orphanet 1493, MedGen C1855772, MONDO:0009452, OMIM 242840.

Submission:

Labcorp Genetics (formerly Invitae), Labcorp
Classification: Uncertain significance for Vici syndrome. Last evaluated: 2025-01-06. Review status: criteria provided, single submitter. Criteria: Invitae Variant Classification Sherloc (09022015). Collection method: clinical testing. Allele origin: germline.
Comment: This sequence change replaces methionine, which is neutral and non-polar, with isoleucine, which is neutral and non-polar, at codon 782 of the EPG5 protein (p.Met782Ile). This variant is not present in population databases (gnomAD no frequency). This variant has not been reported in the literature in individuals affected with EPG5-related conditions. ClinVar contains an entry for this variant (Variation ID: 1493347). Invitae Evidence Modeling of protein sequence and biophysical properties (such as structural, functional, and spatial information, amino acid conservation, physicochemical variation, residue mobility, and thermodynamic stability) has been performed for this missense variant. However, the output from this modeling did not meet the statistical confidence thresholds required to predict the impact of this variant on EPG5 protein function. In summary, the available evidence is currently insufficient to determine the role of this variant in disease. Therefore, it has been classified as a Variant of Uncertain Significance.

NM_020964.3(EPG5):c.2346G>A (p.Met782Ile)

Gene: EPG5 (ectopic P-granules 5 autophagy tethering factor; minus strand). Cytogenetic location: 18q21.1.
Variant type: single nucleotide variant.
Coding change: c.2346G>A on transcript NM_020964.3 (MANE Select); coding-DNA position 2346, G replaced by A.
Protein change: p.Met782Ile; replaces methionine 782 with isoleucine.
Molecular consequence: missense variant.
Genome position (GRCh38, 1-based): chr18:45,930,742, C>T on the plus strand (G>A on the coding strand, the complement: EPG5 is on the minus strand). VCF-style: chr18-45930742-C-T. GRCh37 (hg19) VCF-style: chr18-43510708-C-T.
Other names: short protein forms M782I.
Identifiers: ClinVar variation 1493347 (VCV001493347.9), dbSNP rs2145819246, ClinGen allele CA402347274.